The following is an entry in ClinVar:

NM_001282531.3(ADNP):c.-198T>C

Gene: ADNP (activity dependent neuroprotector homeobox; minus strand). Cytogenetic location: 20q13.13.
Variant type: single nucleotide variant.
Coding change: c.-198T>C on transcript NM_001282531.3 (MANE Select); 198 bases upstream of the start codon, T replaced by C.
Molecular consequence: 5 prime UTR variant. On other transcripts: intron variant (2).
Genome position (GRCh38, 1-based): chr20:50,928,759, A>G on the plus strand (T>C on the coding strand, the complement: ADNP is on the minus strand). VCF-style: chr20-50928759-A-G. GRCh37 (hg19) VCF-style: chr20-49545296-A-G.
Other names: c.-114T>C (NM_015339.5); c.-6+2067T>C (NM_181442.4); c.-90+2067T>C (NM_001347511.2).
Identifiers: ClinVar variation 1879536 (VCV001879536.29), dbSNP rs1372964475, ClinGen allele CA635778327.
Genomic context (GRCh38, chr20:50,928,759, plus strand): 5'-CCAGATCCTCAAAATGGTAGTACAGGGCATAACCACTAGGCCACCTATCAGTTCAGTACA[A>G]AAAGTACAACCCTGCGCATCATGGTGTAAAAGCTGGGGCCTAGGTTTCGCATTGTGCATC-3'

ClinVar aggregate classification (germline): Likely benign (1 of 4 stars; one submission).

Allele frequency attached by ClinVar (database versions not stated): TOPMed below 0.00001; gnomAD 0.00001.
gnomAD v4.1: 1 of 152,238 alleles (0.00066%); highest among the groups gnomAD compares: African/African-American, 0.0024%; no homozygotes.

Submission:

CeGaT Center for Human Genetics Tuebingen
Classification: Likely benign. Last evaluated: 2022-11-01. Review status: criteria provided, single submitter. Criteria: CeGaT Center For Human Genetics Tuebingen Variant Classification Criteria Version 2. Collection method: clinical testing. Allele origin: germline. Affected: yes. Observed: 1 variant allele.
Comment: ADNP: BP4, BP7